The following is an entry in ClinVar:

ClinVar aggregate classification (germline): Uncertain significance (1 of 4 stars; one submission).

Conditions:
Ataxia-telangiectasia syndrome (AT). Also called: Ataxia-telangiectasia; LOUIS-BAR SYNDROME; Ataxia-telangiectasia, complementation group D; AT, COMPLEMENTATION GROUP C; ATAXIA-TELANGIECTASIA, COMPLEMENTATION GROUP A; ATAXIA-TELANGIECTASIA, FRESNO VARIANT. Identifiers: Orphanet 100, MedGen C0004135, MONDO:0008840, OMIM 208900.

gnomAD v4.1: 1 of 1,613,638 alleles (0.000062%); highest among the groups gnomAD compares: East Asian, 0.0022%; no homozygotes.

Submission:

Labcorp Genetics (formerly Invitae), Labcorp
Classification: Uncertain significance for Ataxia-telangiectasia syndrome. Last evaluated: 2021-10-01. Review status: criteria provided, single submitter. Criteria: Invitae Variant Classification Sherloc (09022015). Collection method: clinical testing. Allele origin: germline.
Comment: In summary, the available evidence is currently insufficient to determine the role of this variant in disease. Therefore, it has been classified as a Variant of Uncertain Significance. Algorithms developed to predict the effect of sequence changes on RNA splicing suggest that this variant may create or strengthen a splice site. Advanced modeling of protein sequence and biophysical properties (such as structural, functional, and spatial information, amino acid conservation, physicochemical variation, residue mobility, and thermodynamic stability) performed at Invitae indicates that this missense variant is not expected to disrupt ATM protein function. This variant has not been reported in the literature in individuals affected with ATM-related conditions. This variant is not present in population databases (ExAC no frequency). This sequence change replaces asparagine with aspartic acid at codon 1937 of the ATM protein (p.Asn1937Asp). The asparagine residue is moderately conserved and there is a small physicochemical difference between asparagine and aspartic acid.

NM_000051.4(ATM):c.5809A>G (p.Asn1937Asp)

Genes: C11orf65 (chromosome 11 open reading frame 65; minus strand), ATM (ATM serine/threonine kinase; plus strand). Cytogenetic location: 11q22.3.
Variant type: single nucleotide variant.
Coding change: c.5809A>G on transcript NM_000051.4 (MANE Select); coding-DNA position 5809, A replaced by G.
Protein change: p.Asn1937Asp; replaces asparagine 1937 with aspartic acid.
Molecular consequence: missense variant. On other transcripts: intron variant (2).
Genome position (GRCh38, 1-based): chr11:108,310,206, A>G. VCF-style: chr11-108310206-A-G. GRCh37 (hg19) VCF-style: chr11-108180933-A-G.
Other names: c.5809A>G, p.Asn1937Asp (NM_001351834.2); c.641-1135T>C (NM_001330368.2); c.*39-1135T>C (NM_001351110.2); short protein forms N1937D.
Identifiers: ClinVar variation 1415288 (VCV001415288.6), dbSNP rs2136013971, ClinGen allele CA382548373.